The following is an entry in ClinVar:

ClinVar aggregate classification (germline): Benign/Likely benign. Review status: criteria provided, multiple submitters, no conflicts (2 of 4 stars). 3 submissions from 3 submitters: Benign (1); Likely benign (2). Last evaluated 2025-05-27.

Conditions:
Polycystic kidney disease, adult type (PKD1). Also called: Polycystic Kidney, Autosomal Dominant; POLYCYSTIC KIDNEY DISEASE 1 WITH OR WITHOUT POLYCYSTIC LIVER DISEASE; POLYCYSTIC KIDNEY DISEASE, ADULT, TYPE I; Polycystic Kidney Disease 1, Autosomal Dominant; Polycystic kidney disease 1; Polycystic kidney disease 1, severe. Identifiers: MedGen C3149841, MONDO:0008263, OMIM 173900.

Allele frequency attached by ClinVar (database versions not stated): gnomAD 0.00002; gnomAD exomes 0.00003 and 0.00008; TOPMed 0.00003; ExAC 0.00022.
gnomAD v4.1: 41 of 1,570,910 alleles (0.0026%); highest among the groups gnomAD compares: Admixed American, 0.029%; no homozygotes.

Submissions (3):

Mayo Clinic Laboratories, Mayo Clinic
Classification: Likely benign. Last evaluated: 2025-05-27. Review status: criteria provided, single submitter. Criteria: ACMG Guidelines, 2015. Collection method: clinical testing. Allele origin: germline. Observed: 2 variant alleles.
Comment: BP4, BP7

Department of Pathology and Laboratory Medicine, Sinai Health System
Classification: Likely benign for Polycystic kidney disease, adult type. Last evaluated: 2020-08-07. Review status: criteria provided, single submitter. Criteria: ACMG Guidelines, 2015. Collection method: clinical testing. Allele origin: germline. Affected: yes.

ARUP Laboratories, Molecular Genetics and Genomics, ARUP Laboratories
Classification: Benign. Last evaluated: 2017-01-18. Review status: criteria provided, single submitter. Criteria: ARUP Molecular Germline Variant Investigation Process. Collection method: clinical testing. Allele origin: germline.

NM_001009944.3(PKD1):c.1674G>A (p.Thr558=)

Gene: PKD1 (polycystin 1, transient receptor potential channel interacting; minus strand). Cytogenetic location: 16p13.3.
Variant type: single nucleotide variant.
Coding change: c.1674G>A on transcript NM_001009944.3 (MANE Select); coding-DNA position 1674, G replaced by A.
Protein change: p.Thr558=; no amino-acid change (threonine 558 retained).
Molecular consequence: synonymous variant.
Genome position (GRCh38, 1-based): chr16:2,116,577, C>T on the plus strand (G>A on the coding strand, the complement: PKD1 is on the minus strand). VCF-style: chr16-2116577-C-T. GRCh37 (hg19) VCF-style: chr16-2166578-C-T.
Other names: p.Thr558=; c.1674G>A, p.Thr558= (NM_000296.4); c.1674G>A (NM_001009944.2).
Identifiers: ClinVar variation 440116 (VCV000440116.10), dbSNP rs757658330, ClinGen allele CA7833453.